The following is an entry in ClinVar:

ClinVar aggregate classification (germline): Uncertain significance (1 of 4 stars; one submission).

Conditions:
Intellectual developmental disorder, autosomal dominant 6, with or without seizures. Also called: GRIN2B-related developmental delay, intellectual disability and autism spectrum disorder; Intellectual disability, autosomal dominant 6. Identifiers: Orphanet 589547, MedGen C3151411, MONDO:0013509, OMIM 613970.
Developmental and epileptic encephalopathy, 27 (DEE27). Also called: Epileptic encephalopathy, early infantile, 27; GRIN2B-Related Neurodevelopmental Disorder. Identifiers: Orphanet 3451, MedGen C4015316, MONDO:0014505, OMIM 616139.

Allele frequency attached by ClinVar (database versions not stated): gnomAD exomes below 0.00001.
gnomAD v4.1: 2 of 1,614,104 alleles (0.00012%); highest among the groups gnomAD compares: Non-Finnish European, 0.00017%; no homozygotes.

Submission:

Labcorp Genetics (formerly Invitae), Labcorp
Classification: Uncertain significance for Developmental and epileptic encephalopathy, 27; Intellectual developmental disorder, autosomal dominant 6, with or without seizures. Last evaluated: 2022-12-15. Review status: criteria provided, single submitter. Criteria: Invitae Variant Classification Sherloc (09022015). Collection method: clinical testing. Allele origin: germline.
Comment: This variant is not present in population databases (gnomAD no frequency). This variant has not been reported in the literature in individuals affected with GRIN2B-related conditions. Advanced modeling of protein sequence and biophysical properties (such as structural, functional, and spatial information, amino acid conservation, physicochemical variation, residue mobility, and thermodynamic stability) performed at Invitae indicates that this missense variant is not expected to disrupt GRIN2B protein function. In summary, the available evidence is currently insufficient to determine the role of this variant in disease. Therefore, it has been classified as a Variant of Uncertain Significance. This sequence change replaces aspartic acid, which is acidic and polar, with asparagine, which is neutral and polar, at codon 1047 of the GRIN2B protein (p.Asp1047Asn).

NM_000834.5(GRIN2B):c.3139G>A (p.Asp1047Asn)

Gene: GRIN2B (glutamate ionotropic receptor NMDA type subunit 2B; minus strand). Cytogenetic location: 12p13.1.
Variant type: single nucleotide variant.
Coding change: c.3139G>A on transcript NM_000834.5 (MANE Select); coding-DNA position 3139, G replaced by A.
Protein change: p.Asp1047Asn; replaces aspartic acid 1047 with asparagine.
Molecular consequence: missense variant.
Genome position (GRCh38, 1-based): chr12:13,564,099, C>T on the plus strand (G>A on the coding strand, the complement: GRIN2B is on the minus strand). VCF-style: chr12-13564099-C-T. GRCh37 (hg19) VCF-style: chr12-13717033-C-T.
Other names: c.3139G>A, p.Asp1047Asn (NM_001413992.1); short protein forms D1047N.
Identifiers: ClinVar variation 2942365 (VCV002942365.3), dbSNP rs2497469845, ClinGen allele CA383990735.
Genomic context (GRCh38, chr12:13,564,099, plus strand): 5'-TGTGGGTTGAGATGTCAGAGACATCGGAGCGGATCAAGTCGTCGTGGCCACTGTAGCGGT[C>T]GCTCTTGAAGGAGAATTTGCCGTACAGGTCACTGAGCTGGCTGTGCTTGGAGGAGGGGAG-3'
Protein context (NP_000825.2, residues 1037-1057): DLYGKFSFKS[Asp1047Asn]RYSGHDDLIR